The following is an entry in ClinVar:

ClinVar aggregate classification (germline): Uncertain significance (1 of 4 stars; one submission).

Conditions:
Inborn genetic diseases. Identifiers: MedGen C0950123, MeSH D030342.

gnomAD v4.1: 4 of 1,613,434 alleles (0.00025%); highest among the groups gnomAD compares: Admixed American, 0.0017%; no homozygotes.

Submission:

Ambry Genetics
Classification: Uncertain significance for Inborn genetic diseases. Last evaluated: 2026-05-23. Review status: criteria provided, single submitter. Criteria: Ambry Variant Classification Scheme 2023. Collection method: clinical testing. Allele origin: germline.
Comment: The p.E566K variant (also known as c.1696G>A), located in coding exon 8 of the MBD4 gene, results from a G to A substitution at nucleotide position 1696. The glutamic acid at codon 566 is replaced by lysine, an amino acid with similar properties. This amino acid position is conserved. In addition, the in silico prediction for this alteration is inconclusive. Based on the available evidence, the clinical significance of this variant remains unclear.

NM_001276270.2(MBD4):c.1696G>A (p.Glu566Lys)

Gene: MBD4 (methyl-CpG binding domain 4, DNA glycosylase; minus strand). Cytogenetic location: 3q21.3.
Variant type: single nucleotide variant.
Coding change: c.1696G>A on transcript NM_001276270.2 (MANE Select); coding-DNA position 1696, G replaced by A.
Protein change: p.Glu566Lys; replaces glutamic acid 566 with lysine.
Molecular consequence: missense variant. On other transcripts: 3 prime UTR variant (1).
Genome position (GRCh38, 1-based): chr3:129,431,530, C>T on the plus strand (G>A on the coding strand, the complement: MBD4 is on the minus strand). VCF-style: chr3-129431530-C-T. GRCh37 (hg19) VCF-style: chr3-129150373-C-T.
Other names: c.*38G>A (NM_001276272.2); c.760G>A, p.Glu254Lys (NM_001276273.2); c.1714G>A, p.Glu572Lys (NM_003925.3); short protein forms E254K, E566K, E572K.
Identifiers: ClinVar variation 4859619 (VCV004859619.1).